The following is an entry in ClinVar:

NM_001556.3(IKBKB):c.1826A>G (p.Tyr609Cys)

Gene: IKBKB (inhibitor of nuclear factor kappa B kinase subunit beta; plus strand). Cytogenetic location: 8p11.21.
Variant type: single nucleotide variant.
Coding change: c.1826A>G on transcript NM_001556.3 (MANE Select); coding-DNA position 1826, A replaced by G.
Protein change: p.Tyr609Cys; replaces tyrosine 609 with cysteine.
Molecular consequence: missense variant. On other transcripts: non-coding transcript variant (3).
Genome position (GRCh38, 1-based): chr8:42,322,141, A>G. VCF-style: chr8-42322141-A-G. GRCh37 (hg19) VCF-style: chr8-42179659-A-G.
Other names: c.1634A>G, p.Tyr545Cys (NM_001190720.3); c.1649A>G, p.Tyr550Cys (NM_001242778.2); short protein forms Y609C, Y550C, Y545C.
Identifiers: ClinVar variation 1355614 (VCV001355614.6), dbSNP rs1446069169, ClinGen allele CA371092558.

ClinVar aggregate classification (germline): Uncertain significance (1 of 4 stars; one submission).

Conditions:
Severe combined immunodeficiency due to IKK2 deficiency. Also called: IMMUNODEFICIENCY 15B; Immunodeficiency 15. Identifiers: Orphanet 397787, MedGen C4747743, MONDO:0014267, OMIM 615592.

Allele frequency attached by ClinVar (database versions not stated): gnomAD 0.00001; TOPMed 0.00001.
gnomAD v4.1: 16 of 1,613,470 alleles (0.00099%); highest among the groups gnomAD compares: Non-Finnish European, 0.0012%; no homozygotes.

Submission:

Labcorp Genetics (formerly Invitae), Labcorp
Classification: Uncertain significance for Severe combined immunodeficiency due to IKK2 deficiency. Last evaluated: 2025-02-19. Review status: criteria provided, single submitter. Criteria: Invitae Variant Classification Sherloc (09022015). Collection method: clinical testing. Allele origin: germline.
Comment: This sequence change replaces tyrosine, which is neutral and polar, with cysteine, which is neutral and slightly polar, at codon 609 of the IKBKB protein (p.Tyr609Cys). This variant is present in population databases (no rsID available, gnomAD 0.002%). This variant has not been reported in the literature in individuals affected with IKBKB-related conditions. ClinVar contains an entry for this variant (Variation ID: 1355614). Invitae Evidence Modeling of protein sequence and biophysical properties (such as structural, functional, and spatial information, amino acid conservation, physicochemical variation, residue mobility, and thermodynamic stability) indicates that this missense variant is not expected to disrupt IKBKB protein function with a negative predictive value of 95%. In summary, the available evidence is currently insufficient to determine the role of this variant in disease. Therefore, it has been classified as a Variant of Uncertain Significance.